The following is an entry in ClinVar:

ClinVar aggregate classification (germline): Uncertain significance (1 of 4 stars; one submission).

Allele frequency attached by ClinVar (database versions not stated): gnomAD exomes below 0.00001; TOPMed below 0.00001.
gnomAD v4.1: 5 of 1,194,479 alleles (0.00042%); highest among the groups gnomAD compares: Non-Finnish European, 0.00056%; no homozygotes.

Submission:

Labcorp Genetics (formerly Invitae), Labcorp
Classification: Uncertain significance. Last evaluated: 2026-01-24. Review status: criteria provided, single submitter. Criteria: Invitae Variant Classification Sherloc (09022015). Collection method: clinical testing. Allele origin: germline.
Comment: This sequence change replaces glycine, which is neutral and non-polar, with serine, which is neutral and polar, at codon 6 of the POLA1 protein (p.Gly6Ser). This variant is not present in population databases (gnomAD no frequency). This variant has not been reported in the literature in individuals affected with POLA1-related conditions. ClinVar contains an entry for this variant (Variation ID: 2896206). An algorithm developed to predict the effect of missense changes on protein structure and function outputs the following: PolyPhen-2: "Benign". The serine amino acid residue is found in multiple mammalian species, which suggests that this missense change does not adversely affect protein function. In summary, the available evidence is currently insufficient to determine the role of this variant in disease. Therefore, it has been classified as a Variant of Uncertain Significance.

NM_001330360.2(POLA1):c.16G>A (p.Gly6Ser)

Gene: POLA1 (DNA polymerase alpha 1, catalytic subunit; plus strand). Cytogenetic location: Xp22.11.
Variant type: single nucleotide variant.
Coding change: c.16G>A on transcript NM_001330360.2 (MANE Select); coding-DNA position 16, G replaced by A.
Protein change: p.Gly6Ser; replaces glycine 6 with serine.
Molecular consequence: missense variant. On other transcripts: non-coding transcript variant (2).
Genome position (GRCh38, 1-based): chrX:24,693,977, G>A. VCF-style: chrX-24693977-G-A. GRCh37 (hg19) VCF-style: chrX-24712094-G-A.
Other names: c.16G>A, p.Gly6Ser (NM_001378303.1, NM_016937.4); short protein forms G6S.
Identifiers: ClinVar variation 2896206 (VCV002896206.3), dbSNP rs1927786590, ClinGen allele CA412609078.
Genomic context (GRCh38, chrX:24,693,977, plus strand): 5'-CGCCAGTTTTGGGCTGGTTGGCGCGGAATCGGGAGATTCGGGACCATGGCACCTGTGCAC[G>A]GCGACGACTGTGAGATAGGGGCGAGTGGTGAGGGACAATTCCGCGCGCGGGGCTCCGGGT-3'
Protein context (NP_001317289.1, residues 1-16): MAPVH[Gly6Ser]DDCEIGASAL